The following is an entry in ClinVar:

NM_198576.4(AGRN):c.4605G>T (p.Gly1535=)

Gene: AGRN (agrin; plus strand). Cytogenetic location: 1p36.33.
Variant type: single nucleotide variant.
Coding change: c.4605G>T on transcript NM_198576.4 (MANE Select); coding-DNA position 4605, G replaced by T.
Protein change: p.Gly1535=; no amino-acid change (glycine 1535 retained).
Molecular consequence: synonymous variant.
Genome position (GRCh38, 1-based): chr1:1,049,656, G>T. VCF-style: chr1-1049656-G-T. GRCh37 (hg19) VCF-style: chr1-985036-G-T.
Other names: c.4605G>T (NM_198576.3); c.4605G>T, p.Gly1535= (NM_001305275.2); c.4290G>T, p.Gly1430= (NM_001364727.2).
Identifiers: ClinVar variation 932317 (VCV000932317.46), dbSNP rs373097825, ClinGen allele CA509547.

ClinVar aggregate classification (germline): Likely benign. Review status: criteria provided, multiple submitters, no conflicts (2 of 4 stars). 3 submissions from 3 submitters: Likely benign (2). 1 of the submissions does not count toward it. Last evaluated 2025-11-18.

Conditions:
AGRN-related disorder. Also called: AGRN-related condition.
Congenital myasthenic syndrome 8. Also called: MYASTHENIC SYNDROME, CONGENITAL, DUE TO AGRIN DEFICIENCY; Myasthenic syndrome, congenital, 8, with pre- and postsynaptic defects. Identifiers: Orphanet 590, MedGen C3808739, MONDO:0014052, OMIM 615120.

Allele frequency attached by ClinVar (database versions not stated): ESP Exome Variant Server 0.00008; TOPMed 0.00011; gnomAD exomes 0.00015; ExAC 0.00042.
gnomAD v4.1: 405 of 1,580,590 alleles (0.026%); highest among the groups gnomAD compares: Middle Eastern, 0.099%; no homozygotes.

Submissions (3):

Labcorp Genetics (formerly Invitae), Labcorp
Classification: Likely benign for Congenital myasthenic syndrome 8. Last evaluated: 2025-11-18. Review status: criteria provided, single submitter. Criteria: Invitae Variant Classification Sherloc (09022015). Collection method: clinical testing. Allele origin: germline.

CeGaT Center for Human Genetics Tuebingen
Classification: Likely benign. Last evaluated: 2020-06-01. Review status: criteria provided, single submitter. Criteria: CeGaT Center For Human Genetics Tuebingen Variant Classification Criteria Version 2. Collection method: clinical testing. Allele origin: germline. Affected: yes. Observed: 1 variant allele.

PreventionGenetics, part of Exact Sciences
Classification: Likely benign for AGRN-related condition. Last evaluated: 2024-06-26. Review status: no assertion criteria provided. Collection method: clinical testing. Allele origin: germline. Not counted in ClinVar's aggregate classification.
Comment: This variant is classified as likely benign based on ACMG/AMP sequence variant interpretation guidelines (Richards et al. 2015 PMID: 25741868, with internal and published modifications).